The following is an entry in ClinVar:

NM_182931.3(KMT2E):c.3299G>A (p.Arg1100Gln)

Gene: KMT2E (lysine methyltransferase 2E (inactive); plus strand). Cytogenetic location: 7q22.3.
Variant type: single nucleotide variant.
Coding change: c.3299G>A on transcript NM_182931.3 (MANE Select); coding-DNA position 3299, G replaced by A.
Protein change: p.Arg1100Gln; replaces arginine 1100 with glutamine.
Molecular consequence: missense variant.
Genome position (GRCh38, 1-based): chr7:105,107,756, G>A. VCF-style: chr7-105107756-G-A. GRCh37 (hg19) VCF-style: chr7-104748203-G-A.
Other names: c.3299G>A (NM_182931.2); c.3299G>A, p.Arg1100Gln (NM_001410908.1, NM_018682.4); short protein forms R1100Q.
Identifiers: ClinVar variation 3665865 (VCV003665865.3).

ClinVar aggregate classification (germline): Uncertain significance. Review status: criteria provided, multiple submitters, no conflicts (2 of 4 stars). 2 submissions from 2 submitters: Uncertain significance (2). Last evaluated 2025-12-03.

Conditions:
Inborn genetic diseases. Identifiers: MedGen C0950123, MeSH D030342.

gnomAD v4.1: 11 of 1,613,982 alleles (0.00068%); highest among the groups gnomAD compares: Admixed American, 0.0067%; no homozygotes.

Submissions (2):

Ambry Genetics
Classification: Uncertain significance for Inborn genetic diseases. Last evaluated: 2025-12-03. Review status: criteria provided, single submitter. Criteria: Ambry Variant Classification Scheme 2023. Collection method: clinical testing. Allele origin: germline.

Labcorp Genetics (formerly Invitae), Labcorp
Classification: Uncertain significance. Last evaluated: 2025-09-05. Review status: criteria provided, single submitter. Criteria: Invitae Variant Classification Sherloc (09022015). Collection method: clinical testing. Allele origin: germline.
Comment: This sequence change replaces arginine, which is basic and polar, with glutamine, which is neutral and polar, at codon 1100 of the KMT2E protein (p.Arg1100Gln). This variant is present in population databases (no rsID available, gnomAD 0.003%). This variant has not been reported in the literature in individuals affected with KMT2E-related conditions. ClinVar contains an entry for this variant (Variation ID: 3665865). Invitae Evidence Modeling of protein sequence and biophysical properties (such as structural, functional, and spatial information, amino acid conservation, physicochemical variation, residue mobility, and thermodynamic stability) indicates that this missense variant is not expected to disrupt KMT2E protein function with a negative predictive value of 80%. In summary, the available evidence is currently insufficient to determine the role of this variant in disease. Therefore, it has been classified as a Variant of Uncertain Significance.